The following is an entry in ClinVar:

NM_001242896.3(DEPDC5):c.1036G>C (p.Asp346His)

Gene: DEPDC5 (DEP domain containing 5, GATOR1 subcomplex subunit; plus strand). Cytogenetic location: 22q12.3.
Variant type: single nucleotide variant.
Coding change: c.1036G>C on transcript NM_001242896.3 (MANE Select); coding-DNA position 1036, G replaced by C.
Protein change: p.Asp346His; replaces aspartic acid 346 with histidine.
Molecular consequence: missense variant. On other transcripts: non-coding transcript variant (5).
Genome position (GRCh38, 1-based): chr22:31,802,793, G>C. VCF-style: chr22-31802793-G-C. GRCh37 (hg19) VCF-style: chr22-32198779-G-C.
Other names: c.1036G>C (NM_001242896.1); c.1036G>C, p.Asp346His (NM_001007188.4, NM_001136029.4, NM_001242897.2 and 7 more transcripts); c.952G>C, p.Asp318His (NM_001369901.1, NM_001369902.1); short protein forms D318H, D346H.
Identifiers: ClinVar variation 1369452 (VCV001369452.11), dbSNP rs372461930, ClinGen allele CA323354473.

ClinVar aggregate classification (germline): Uncertain significance. Review status: criteria provided, multiple submitters, no conflicts (2 of 4 stars). 3 submissions from 3 submitters: Uncertain significance (3). Last evaluated 2025-07-09.

Conditions:
Familial focal epilepsy with variable foci (FPEVF). Identifiers: Orphanet 98820, MedGen C1858477, MONDO:0020310.
Inborn genetic diseases. Identifiers: MedGen C0950123, MeSH D030342.

Allele frequency attached by ClinVar (database versions not stated): ESP Exome Variant Server 0.00008.
gnomAD v4.1: 4 of 1,607,142 alleles (0.00025%); highest among the groups gnomAD compares: Non-Finnish European, 0.00034%; no homozygotes.

Submissions (3):

GeneDx
Classification: Uncertain significance. Last evaluated: 2025-07-09. Review status: criteria provided, single submitter. Criteria: GeneDx Variant Classification Process June 2021. Collection method: clinical testing. Allele origin: germline. Affected: yes.
Comment: Not observed at significant frequency in large population cohorts (gnomAD); In silico analysis supports that this missense variant has a deleterious effect on protein structure/function; Has not been previously published as pathogenic or benign to our knowledge

Ambry Genetics
Classification: Uncertain significance for Inborn genetic diseases. Last evaluated: 2024-08-14. Review status: criteria provided, single submitter. Criteria: Ambry Variant Classification Scheme 2023. Collection method: clinical testing. Allele origin: germline.

Labcorp Genetics (formerly Invitae), Labcorp
Classification: Uncertain significance for Familial focal epilepsy with variable foci. Last evaluated: 2022-09-10. Review status: criteria provided, single submitter. Criteria: Invitae Variant Classification Sherloc (09022015). Collection method: clinical testing. Allele origin: germline.
Comment: This sequence change replaces aspartic acid, which is acidic and polar, with histidine, which is basic and polar, at codon 346 of the DEPDC5 protein (p.Asp346His). This variant is not present in population databases (gnomAD no frequency). This variant has not been reported in the literature in individuals affected with DEPDC5-related conditions. ClinVar contains an entry for this variant (Variation ID: 1369452). Algorithms developed to predict the effect of missense changes on protein structure and function are either unavailable or do not agree on the potential impact of this missense change (SIFT: "Deleterious"; PolyPhen-2: "Not Available"; Align-GVGD: "Class C65"). In summary, the available evidence is currently insufficient to determine the role of this variant in disease. Therefore, it has been classified as a Variant of Uncertain Significance.